The following is an entry in ClinVar:

NM_021098.3(CACNA1H):c.2405C>G (p.Ala802Gly)

Gene: CACNA1H (calcium voltage-gated channel subunit alpha1 H; plus strand). Cytogenetic location: 16p13.3.
Variant type: single nucleotide variant.
Coding change: c.2405C>G on transcript NM_021098.3 (MANE Select); coding-DNA position 2405, C replaced by G.
Protein change: p.Ala802Gly; replaces alanine 802 with glycine.
Molecular consequence: missense variant.
Genome position (GRCh38, 1-based): chr16:1,204,412, C>G. VCF-style: chr16-1204412-C-G. GRCh37 (hg19) VCF-style: chr16-1254412-C-G.
Other names: c.2405C>G, p.Ala802Gly (NM_001005407.2); short protein forms A802G.
Identifiers: ClinVar variation 1223820 (VCV001223820.4), dbSNP rs781441262, ClinGen allele CA7800234.

ClinVar aggregate classification (germline): Uncertain significance. Review status: criteria provided, multiple submitters, no conflicts (2 of 4 stars). 2 submissions from 2 submitters: Uncertain significance (2). Last evaluated 2024-06-04.

Conditions:
Inborn genetic diseases. Identifiers: MedGen C0950123, MeSH D030342.

Allele frequency attached by ClinVar (database versions not stated): ExAC 0.00001.
gnomAD v4.1: 13 of 1,552,138 alleles (0.00084%); highest among the groups gnomAD compares: Non-Finnish European, 0.001%; no homozygotes.

Submissions (2):

Ambry Genetics
Classification: Uncertain significance for Inborn genetic diseases. Last evaluated: 2024-06-04. Review status: criteria provided, single submitter. Criteria: Ambry Variant Classification Scheme 2023. Collection method: clinical testing. Allele origin: germline.

GeneDx
Classification: Uncertain significance. Last evaluated: 2020-05-21. Review status: criteria provided, single submitter. Criteria: GeneDx Variant Classification Process June 2021. Collection method: clinical testing. Allele origin: germline. Affected: yes.
Comment: Not observed at a significant frequency in large population cohorts (Lek et al., 2016); In silico analysis supports that this missense variant has a deleterious effect on protein structure/function; Has not been previously published as pathogenic or benign to our knowledge